The following is an entry in ClinVar:

NM_014625.4(NPHS2):c.483del (p.Tyr162fs)

Gene: NPHS2 (NPHS2 stomatin family member, podocin; minus strand). Cytogenetic location: 1q25.2.
Variant type: Deletion.
Coding change: c.483del on transcript NM_014625.4 (MANE Select); coding-DNA position 483, one base deleted (C; older notation c.483delC).
Protein change: p.Tyr162fs; shifts the reading frame from tyrosine 162.
Molecular consequence: frameshift variant.
Genome position (GRCh38, 1-based): chr1:179,559,730, G deleted on the plus strand (C on the coding strand, the reverse complement: NPHS2 is on the minus strand); the first of 2 consecutive G bases (chr1:179,559,730-179,559,731); deleting either gives the same sequence. VCF-style (leftmost placement, unchanged base first): chr1-179559729-AG-A. GRCh37 (hg19) VCF-style: chr1-179528864-AG-A.
Other names: c.483delC (NM_014625.3); c.483del, p.Tyr162fs (NM_001297575.2); short protein forms Y162fs.
Identifiers: ClinVar variation 2183604 (VCV002183604.6), dbSNP rs750373262, ClinGen allele CA1267200.

ClinVar aggregate classification (germline): Pathogenic/Likely pathogenic. Review status: criteria provided, multiple submitters, no conflicts (2 of 4 stars). 2 submissions from 2 submitters: Pathogenic (1); Likely pathogenic (1). Last evaluated 2025-06-13.

Conditions:
Steroid-resistant nephrotic syndrome. Identifiers: MedGen C0403397, MONDO:0044765, HP:0012588.

Submissions (2):

Natera, Inc.
Classification: Likely pathogenic for Steroid-resistant nephrotic syndrome. Last evaluated: 2025-06-13. Review status: criteria provided, single submitter. Criteria: Natera Variant Classification Schema (03/2026). Collection method: clinical testing. Allele origin: germline.
Comment: The c.483delC variant in NPHS2 is a frameshift variant predicted to shift the reading frame beginning at codon 162 and leads to a stop codon 19 codons downstream. This variant is expected to result in nonsense mediated decay, truncation, or a dysfunctional protein product. This variant is rare in the general population with a frequency below the threshold expected for the associated phenotype(s). Given the available evidence, this variant is classified as Likely Pathogenic.

Labcorp Genetics (formerly Invitae), Labcorp
Classification: Pathogenic. Last evaluated: 2023-08-10. Review status: criteria provided, single submitter. Criteria: Invitae Variant Classification Sherloc (09022015). Collection method: clinical testing. Allele origin: germline.
Comment: The frequency data for this variant in the population databases is considered unreliable, as metrics indicate poor data quality at this position in the gnomAD database. This sequence change creates a premature translational stop signal (p.Tyr162Thrfs*19) in the NPHS2 gene. It is expected to result in an absent or disrupted protein product. Loss-of-function variants in NPHS2 are known to be pathogenic (PMID: 10742096, 14701729, 15253708, 23595123). This variant has not been reported in the literature in individuals affected with NPHS2-related conditions. ClinVar contains an entry for this variant (Variation ID: 2183604). For these reasons, this variant has been classified as Pathogenic.

Literature cited by the submitters: PubMed 10742096 (cited by Labcorp Genetics (formerly Invitae), Labcorp); PubMed 14701729 (cited by Labcorp Genetics (formerly Invitae), Labcorp); PubMed 15253708 (cited by Labcorp Genetics (formerly Invitae), Labcorp); PubMed 23595123 (cited by Labcorp Genetics (formerly Invitae), Labcorp).